The following is an entry in ClinVar:

ClinVar aggregate classification (germline): Conflicting classifications of pathogenicity. Review status: criteria provided, conflicting classifications (1 of 4 stars). 5 submissions from 5 submitters: Uncertain significance (3); Likely benign (1). 1 of the submissions does not count toward it. Last evaluated 2024-04-29.

Conditions:
Hereditary breast ovarian cancer syndrome. Also called: Hereditary breast and ovarian cancer syndrome; Hereditary breast and ovarian cancer; Hereditary breast and ovarian cancer syndrome (HBOC); Breast and ovarian cancer; Hereditary breast and/or ovarian cancer syndrome; BRCA1- and BRCA2-Associated Hereditary Breast and Ovarian Cancer. Identifiers: Orphanet 145, MedGen C0677776, MeSH D061325, MONDO:0003582. Disease mechanism: loss of function.
Breast-ovarian cancer, familial, susceptibility to, 2 (BROVCA2). Also called: BRCA2 Hereditary Breast and Ovarian Cancer. Identifiers: Orphanet 145, MedGen C2675520, MONDO:0012933, OMIM 612555. Disease mechanism: loss of function.
Hereditary cancer-predisposing syndrome. Also called: Neoplastic Syndromes, Hereditary; Tumor predisposition; Hereditary neoplastic syndrome; Hereditary Cancer Syndrome. Identifiers: Orphanet 140162, MedGen C0027672, MeSH D009386, MONDO:0015356.

Allele frequency attached by ClinVar (database versions not stated): TOPMed 0.00001.

Submissions (5):

Color Diagnostics, LLC DBA Color Health
Classification: Uncertain significance for Hereditary cancer-predisposing syndrome. Last evaluated: 2024-04-29. Review status: criteria provided, single submitter. Criteria: ACMG Guidelines, 2015. Collection method: clinical testing. Allele origin: germline.
Comment: This missense variant replaces valine with leucine at codon 2728 of the BRCA2 protein. Computational prediction suggests that this variant may not impact protein structure and function. To our knowledge, functional studies have not been reported for this variant. This variant has been reported in an individual with a personal or family history of breast cancer (PMID: 12955716). This variant has been identified in 1/250884 chromosomes in the general population by the Genome Aggregation Database (gnomAD). The available evidence is insufficient to determine the role of this variant in disease conclusively. Therefore, this variant is classified as a Variant of Uncertain Significance.

Labcorp Genetics (formerly Invitae), Labcorp
Classification: Uncertain significance for Hereditary breast ovarian cancer syndrome. Last evaluated: 2024-02-27. Review status: criteria provided, single submitter. Criteria: Invitae Variant Classification Sherloc (09022015). Collection method: clinical testing. Allele origin: germline.
Comment: This sequence change replaces valine, which is neutral and non-polar, with leucine, which is neutral and non-polar, at codon 2728 of the BRCA2 protein (p.Val2728Leu). This variant is present in population databases (rs28897749, gnomAD 0.0009%). This missense change has been observed in individual(s) with breast cancer (PMID: 12955716). ClinVar contains an entry for this variant (Variation ID: 52521). Advanced modeling of protein sequence and biophysical properties (such as structural, functional, and spatial information, amino acid conservation, physicochemical variation, residue mobility, and thermodynamic stability) performed at Invitae indicates that this missense variant is not expected to disrupt BRCA2 protein function with a negative predictive value of 95%. In summary, the available evidence is currently insufficient to determine the role of this variant in disease. Therefore, it has been classified as a Variant of Uncertain Significance.

All of Us Research Program, National Institutes of Health
Classification: Uncertain significance for Breast-ovarian cancer, familial, susceptibility to, 2. Last evaluated: 2023-08-15. Review status: criteria provided, single submitter. Criteria: ACMG Guidelines, 2015. Collection method: clinical testing. Allele origin: germline. Inheritance: Autosomal dominant inheritance. Observed: 1 variant allele, 1 heterozygote.
Comment: This study involves interpretation of variants in research participants for the purpose of population health screening. Participant phenotype was not available at the time of variant classification. Additional details can be found in publication PMID: 35346344, PMCID: PMC8962531

Ambry Genetics
Classification: Likely benign for Hereditary cancer-predisposing syndrome. Last evaluated: 2018-12-28. Review status: criteria provided, single submitter. Criteria: Ambry Variant Classification Scheme 2023. Collection method: clinical testing. Allele origin: germline.

Breast Cancer Information Core (BIC) (BRCA2)
Classification: Benign for Breast-ovarian cancer, familial 2. Review status: no assertion criteria provided. Collection method: clinical testing. Allele origin: germline. Affected: yes. Observed: 2 variant alleles. Not counted in ClinVar's aggregate classification.

Literature cited by the submitters: PubMed 12955716 (cited by 3 submitters); PubMed 19043619 (cited by Ambry Genetics).

NM_000059.4(BRCA2):c.8182G>C (p.Val2728Leu)

Gene: BRCA2 (BRCA2 DNA repair associated; plus strand). Cytogenetic location: 13q13.1.
Variant type: single nucleotide variant.
Coding change: c.8182G>C on transcript NM_000059.4 (MANE Select); coding-DNA position 8182, G replaced by C.
Protein change: p.Val2728Leu; replaces valine 2728 with leucine.
Molecular consequence: missense variant.
Genome position (GRCh38, 1-based): chr13:32,363,384, G>C. VCF-style: chr13-32363384-G-C. GRCh37 (hg19) VCF-style: chr13-32937521-G-C.
Other names: short protein forms V2728L.
Identifiers: ClinVar variation 52521 (VCV000052521.18), dbSNP rs28897749, ClinGen allele CA025495.